The following is an entry in ClinVar:

NM_014423.4(AFF4):c.1824A>G (p.Ser608=)

Gene: AFF4 (ALF transcription elongation factor 4; minus strand). Cytogenetic location: 5q31.1.
Variant type: single nucleotide variant.
Coding change: c.1824A>G on transcript NM_014423.4 (MANE Select); coding-DNA position 1824, A replaced by G.
Protein change: p.Ser608=; no amino-acid change (serine 608 retained).
Molecular consequence: synonymous variant.
Genome position (GRCh38, 1-based): chr5:132,896,806, T>C on the plus strand (A>G on the coding strand, the complement: AFF4 is on the minus strand). VCF-style: chr5-132896806-T-C. GRCh37 (hg19) VCF-style: chr5-132232498-T-C.
Other names: c.1824A>G (NM_014423.3).
Identifiers: ClinVar variation 1993920 (VCV001993920.5), dbSNP rs1760413368, ClinGen allele CA446499263.
Genomic context (GRCh38, chr5:132,896,806, plus strand): 5'-CTTTTTCTCTGCTGTAGGTCGAGGGGAAGACTTAGACTCCTTCTTTATATTGGGTTTCCT[T>C]GAGCCTTTGGTGGCTGCTTTGTGTCTGCTGGAGGGCATGCTGCTAGCCAAGTCTACAGGG-3'
Protein context (NP_055238.1, residues 598-618): SSRHKAATKG[Ser608=]RKPNIKKESK

ClinVar aggregate classification (germline): Likely benign. Review status: criteria provided, multiple submitters, no conflicts (2 of 4 stars). 2 submissions from 2 submitters: Likely benign (2). Last evaluated 2025-08-04.

Conditions:
AFF4-related disorder. Also called: AFF4-related condition.
Cognitive impairment - coarse facies - heart defects - obesity - pulmonary involvement - short stature - skeletal dysplasia syndrome. Also called: AFF4-Related CHOPS Syndrome; Chops syndrome; COGNITIVE IMPAIRMENT, COARSE FACIES, HEART DEFECTS, OBESITY, PULMONARY INVOLVEMENT, SHORT STATURE, AND SKELETAL DYSPLASIA. Identifiers: Orphanet 444077, MedGen C4085597, MONDO:0014609, OMIM 616368.

Allele frequency attached by ClinVar (database versions not stated): TOPMed below 0.00001; gnomAD 0.00001.
gnomAD v4.1: 1 of 1,613,982 alleles (0.000062%); highest among the groups gnomAD compares: Admixed American, 0.0017%; no homozygotes.

Submissions (2):

Labcorp Genetics (formerly Invitae), Labcorp
Classification: Likely benign for Cognitive impairment - coarse facies - heart defects - obesity - pulmonary involvement - short stature - skeletal dysplasia syndrome. Last evaluated: 2025-08-04. Review status: criteria provided, single submitter. Criteria: Invitae Variant Classification Sherloc (09022015). Collection method: clinical testing. Allele origin: germline.

PreventionGenetics, part of Exact Sciences
Classification: Likely benign for AFF4-related condition. Last evaluated: 2025-05-21. Review status: criteria provided, single submitter. Criteria: ACMG Guidelines, 2015. Collection method: clinical testing. Allele origin: germline.
Comment: This variant is classified as likely benign based on ACMG/AMP sequence variant interpretation guidelines (Richards et al. 2015 PMID: 25741868, with internal and published modifications).